The following is an entry in ClinVar:

NM_002098.6(GUCA1B):c.187C>T (p.Arg63Ter)

Gene: GUCA1B (guanylate cyclase activator 1B; minus strand). Cytogenetic location: 6p21.1.
Variant type: single nucleotide variant.
Coding change: c.187C>T on transcript NM_002098.6 (MANE Select); coding-DNA position 187, C replaced by T.
Protein change: p.Arg63Ter; replaces arginine 63 with a stop codon.
Molecular consequence: nonsense.
Genome position (GRCh38, 1-based): chr6:42,194,634, G>A on the plus strand (C>T on the coding strand, the complement: GUCA1B is on the minus strand). VCF-style: chr6-42194634-G-A. GRCh37 (hg19) VCF-style: chr6-42162372-G-A.
Other names: short protein forms R63*.
Identifiers: ClinVar variation 283831 (VCV000283831.12), dbSNP rs200394928, ClinGen allele CA3805630.

ClinVar aggregate classification (germline): Uncertain significance. Review status: criteria provided, multiple submitters, no conflicts (2 of 4 stars). 3 submissions from 3 submitters: Uncertain significance (3). Last evaluated 2026-01-12.

Conditions:
Retinal dystrophy. Also called: Inherited retinal dystrophy. Identifiers: Orphanet 71862, MedGen C0854723, MeSH D058499, MONDO:0019118, HP:0000556.

Allele frequency attached by ClinVar (database versions not stated): gnomAD 0.00016 and 0.00019; ExAC 0.00017; gnomAD exomes 0.00018 and 0.00027; TOPMed 0.00021; ESP Exome Variant Server 0.00023; 1000 Genomes Project 30x 0.00062; 1000 Genomes Project 0.00080.
gnomAD v4.1: 410 of 1,612,256 alleles (0.025%); highest among the groups gnomAD compares: Non-Finnish European, 0.033%; 1 homozygote.

Submissions (3):

Labcorp Genetics (formerly Invitae), Labcorp
Classification: Uncertain significance. Last evaluated: 2026-01-12. Review status: criteria provided, single submitter. Criteria: Invitae Variant Classification Sherloc (09022015). Collection method: clinical testing. Allele origin: germline.
Comment: This sequence change creates a premature translational stop signal (p.Arg63*) in the GUCA1B gene. It is expected to result in an absent or disrupted protein product. However, the current clinical and genetic evidence is not sufficient to establish whether loss-of-function variants in GUCA1B cause disease. This variant is present in population databases (rs200394928, gnomAD 0.04%), and has an allele count higher than expected for a pathogenic variant. This premature translational stop signal has been observed in individual(s) with inherited retinal dystrophy (PMID: 32483926). ClinVar contains an entry for this variant (Variation ID: 283831). Algorithms developed to predict the effect of sequence changes on RNA splicing suggest that this variant may disrupt the consensus splice site. In summary, the available evidence is currently insufficient to determine the role of this variant in disease. Therefore, it has been classified as a Variant of Uncertain Significance.

Institute of Human Genetics, Univ. Regensburg, Univ. Regensburg
Classification: Uncertain significance for Retinal dystrophy. Last evaluated: 2021-01-01. Review status: criteria provided, single submitter. Criteria: ACMG Guidelines, 2015. Collection method: clinical testing. Allele origin: germline. Affected: yes.

Eurofins Ntd Llc (ga)
Classification: Uncertain significance. Last evaluated: 2015-10-16. Review status: criteria provided, single submitter. Criteria: EGL Classification Definitions 2015. Collection method: clinical testing. Allele origin: germline. Observed: 1 variant allele, 1 heterozygote.

Literature cited by the submitters: PubMed 32483926 (cited by Labcorp Genetics (formerly Invitae), Labcorp and Institute of Human Genetics, Univ. Regensburg, Univ. Regensburg); PubMed 3134521 (cited by Institute of Human Genetics, Univ. Regensburg, Univ. Regensburg).